The following is an entry in ClinVar:

ClinVar aggregate classification (germline): Uncertain significance. Review status: criteria provided, multiple submitters, no conflicts (2 of 4 stars). 3 submissions from 3 submitters: Uncertain significance (3). Last evaluated 2026-09-01.

Conditions:
Inborn genetic diseases. Identifiers: MedGen C0950123, MeSH D030342.

Submissions (3):

GeneDx
Classification: Uncertain significance. Last evaluated: 2026-09-01. Review status: criteria provided, single submitter. Criteria: GeneDx Variant Classification Process June 2021. Collection method: clinical testing. Allele origin: germline.
Comment: Not observed at significant frequency in large population cohorts (gnomAD); In silico analysis supports that this missense variant has a deleterious effect on protein structure/function; Has not been previously published as pathogenic or benign to our knowledge

Labcorp Genetics (formerly Invitae), Labcorp
Classification: Uncertain significance. Last evaluated: 2025-05-09. Review status: criteria provided, single submitter. Criteria: Invitae Variant Classification Sherloc (09022015). Collection method: clinical testing. Allele origin: germline.
Comment: This sequence change replaces arginine, which is basic and polar, with cysteine, which is neutral and slightly polar, at codon 55 of the ETV6 protein (p.Arg55Cys). This variant is present in population databases (rs750795092, gnomAD 0.006%). This variant has not been reported in the literature in individuals affected with ETV6-related conditions. ClinVar contains an entry for this variant (Variation ID: 3572510). An algorithm developed to predict the effect of missense changes on protein structure and function (PolyPhen-2) suggests that this variant is likely to be tolerated. In summary, the available evidence is currently insufficient to determine the role of this variant in disease. Therefore, it has been classified as a Variant of Uncertain Significance.

Ambry Genetics
Classification: Uncertain significance for Inborn genetic diseases. Last evaluated: 2024-12-13. Review status: criteria provided, single submitter. Criteria: Ambry Variant Classification Scheme 2023. Collection method: clinical testing. Allele origin: germline.
Comment: The p.R55C variant (also known as c.163C>T), located in coding exon 2 of the ETV6 gene, results from a C to T substitution at nucleotide position 163. The arginine at codon 55 is replaced by cysteine, an amino acid with highly dissimilar properties. However, this change occurs in the last base pair of coding exon 2 and may have some effect on normal mRNA splicing. This nucleotide position is highly conserved in available vertebrate species. In silico splice site analysis predicts that this alteration will not have any significant effect on splicing. This amino acid position is highly conserved in available vertebrate species. In addition, as a missense substitution this is predicted to be inconclusive by in silico analysis. Based on the available evidence, the clinical significance of this variant remains unclear.

NM_001987.5(ETV6):c.163C>T (p.Arg55Cys)

Gene: ETV6 (ETS variant transcription factor 6; plus strand). Cytogenetic location: 12p13.2.
Variant type: single nucleotide variant.
Coding change: c.163C>T on transcript NM_001987.5 (MANE Select); coding-DNA position 163, C replaced by T.
Protein change: p.Arg55Cys; replaces arginine 55 with cysteine.
Molecular consequence: missense variant. On other transcripts: intron variant (1).
Genome position (GRCh38, 1-based): chr12:11,752,579, C>T. VCF-style: chr12-11752579-C-T. GRCh37 (hg19) VCF-style: chr12-11905513-C-T.
Other names: c.160C>T, p.Arg54Cys (NM_001413913.1); c.136C>T, p.Arg46Cys (NM_001413914.1); c.163C>T, p.Arg55Cys (NM_001413916.1, NM_001413917.1, NM_001413918.1); c.-101-86561C>T (NM_001413915.1); short protein forms R46C, R54C, R55C.
Identifiers: ClinVar variation 3572510 (VCV003572510.4).
Genomic context (GRCh38, chr12:11,752,579, plus strand): 5'-GTTCCAGTGCCTCGAGCGCTCAGGATGGAGGAAGACTCGATCCGCCTGCCTGCGCACCTG[C>T]GTGAGTGTTCGTGACCCGAGAGGGACAGAGGATTGATGGCGTGGGGCGGGGGTGGCAGGC-3'
Protein context (NP_001978.1, residues 45-65): EDSIRLPAHL[Arg55Cys]LQPIYWSRDD